The following is an entry in ClinVar:

ClinVar aggregate classification (germline): Uncertain significance (1 of 4 stars; one submission).

Conditions:
Joubert syndrome. Also called: CEREBELLOPARENCHYMAL DISORDER IV; JOUBERT-BOLTSHAUSER SYNDROME; Familial aplasia of the vermis. Identifiers: Orphanet 475, MedGen C5979921, MONDO:0018772.
Orofaciodigital syndrome I (OFD1). Also called: OFDS I; Papillon-Leage and Psaume Syndrome; Oral-Facial-Digital Syndrome Type I. Identifiers: Orphanet 2750, MedGen C1510460, MONDO:0010702, OMIM 311200.

Allele frequency attached by ClinVar (database versions not stated): gnomAD 0.00001; gnomAD exomes 0.00001 and below 0.00001; TOPMed 0.00003.
gnomAD v4.1: 4 of 1,205,849 alleles (0.00033%); highest among the groups gnomAD compares: African/African-American, 0.0036%; no homozygotes.

Submission:

Labcorp Genetics (formerly Invitae), Labcorp
Classification: Uncertain significance for Orofaciodigital syndrome I; Joubert syndrome. Last evaluated: 2022-10-07. Review status: criteria provided, single submitter. Criteria: Invitae Variant Classification Sherloc (09022015). Collection method: clinical testing. Allele origin: germline.
Comment: In summary, the available evidence is currently insufficient to determine the role of this variant in disease. Therefore, it has been classified as a Variant of Uncertain Significance. Advanced modeling of protein sequence and biophysical properties (such as structural, functional, and spatial information, amino acid conservation, physicochemical variation, residue mobility, and thermodynamic stability) performed at Invitae indicates that this missense variant is not expected to disrupt OFD1 protein function. ClinVar contains an entry for this variant (Variation ID: 463448). This variant has not been reported in the literature in individuals affected with OFD1-related conditions. The frequency data for this variant in the population databases is considered unreliable, as metrics indicate poor data quality at this position in the gnomAD database. This sequence change replaces alanine, which is neutral and non-polar, with valine, which is neutral and non-polar, at codon 476 of the OFD1 protein (p.Ala476Val).

NM_003611.3(OFD1):c.1427C>T (p.Ala476Val)

Gene: OFD1 (OFD1 centriole and centriolar satellite protein; plus strand). Cytogenetic location: Xp22.2.
Variant type: single nucleotide variant.
Coding change: c.1427C>T on transcript NM_003611.3 (MANE Select); coding-DNA position 1427, C replaced by T.
Protein change: p.Ala476Val; replaces alanine 476 with valine.
Molecular consequence: missense variant.
Genome position (GRCh38, 1-based): chrX:13,757,675, C>T. VCF-style: chrX-13757675-C-T. GRCh37 (hg19) VCF-style: chrX-13775794-C-T.
Other names: c.1307C>T, p.Ala436Val (NM_001330209.2); c.1007C>T, p.Ala336Val (NM_001330210.2); short protein forms A476V, A436V, A336V.
Identifiers: ClinVar variation 463448 (VCV000463448.7), dbSNP rs1189655158, ClinGen allele CA412342993.